The following is an entry in ClinVar:

NM_013275.6(ANKRD11):c.3309dup (p.Asp1104fs)

Gene: ANKRD11 (ankyrin repeat domain 11; minus strand). Cytogenetic location: 16q24.3.
Variant type: Duplication.
Coding change: c.3309dup on transcript NM_013275.6 (MANE Select); coding-DNA position 3309, one base duplicated (A; older notation c.3309dupA).
Protein change: p.Asp1104fs; shifts the reading frame from aspartic acid 1104.
Molecular consequence: frameshift variant.
Genome position (GRCh38, 1-based): chr16:89,283,233, T duplicated on the plus strand (A on the coding strand, the reverse complement: ANKRD11 is on the minus strand); the first of 8 consecutive T bases (chr16:89,283,233-89,283,240); duplicating any one gives the same sequence. VCF-style (leftmost placement, unchanged base first): chr16-89283232-C-CT. GRCh37 (hg19) VCF-style: chr16-89349640-C-CT.
Other names: c.3309dup, p.Asp1104fs (NM_001256182.2, NM_001256183.2); c.3309dupA (NM_013275.5, NM_001256182.2); short protein forms D1104fs.
Identifiers: ClinVar variation 812782 (VCV000812782.55), dbSNP rs772267579, ClinGen allele CA8242384.

ClinVar aggregate classification (germline): Pathogenic. Review status: criteria provided, multiple submitters, no conflicts (2 of 4 stars). 9 submissions from 9 submitters: Pathogenic (6). 3 of the submissions do not count toward it. Last evaluated 2025-03-26.

Conditions:
ANKRD11-related disorder. Also called: ANKRD11-related condition.
KBG syndrome (KBGS). Also called: ANKRD11-Related KBG Syndrome. Identifiers: Orphanet 2332, MedGen C0220687, MONDO:0007846, OMIM 148050.
Abnormality of the nervous system. Also called: Congenital nervous system disorder. Identifiers: MedGen C0497552, MONDO:0002320, HP:0000707.

Submissions (9):

GeneDx
Classification: Pathogenic. Last evaluated: 2025-03-26. Review status: criteria provided, single submitter. Criteria: GeneDx Variant Classification Process June 2021. Collection method: clinical testing. Allele origin: germline. Affected: yes.
Comment: Frameshift variant predicted to result in protein truncation or nonsense mediated decay in a gene for which loss-of-function is a known mechanism of disease; This variant is associated with the following publications: (PMID: 35833929, 33057194, 36446582, 37541188, 35982159, 34580403, 32581362, 32124548, 34971082, 33917340, 37586838)

Blueprint Genetics
Classification: Pathogenic for ANKRD11-related disorders. Last evaluated: 2022-09-22. Review status: criteria provided, single submitter. Criteria: ACMG Guidelines, 2015. Collection method: clinical testing. Allele origin: germline. Affected: yes. Observed: 3 variant alleles.

Institute of Human Genetics, Heidelberg University
Classification: Pathogenic for KBG syndrome. Last evaluated: 2022-05-02. Review status: criteria provided, single submitter. Criteria: ACMG Guidelines, 2015. Collection method: clinical testing. Allele origin: de novo. Affected: yes.

MGZ Medical Genetics Center
Classification: Pathogenic for KBG syndrome. Last evaluated: 2021-09-10. Review status: criteria provided, single submitter. Criteria: ACMG Guidelines, 2015. Collection method: clinical testing. Allele origin: germline. Affected: yes. Observed: 1 variant allele.
Comment: ACMG criteria applied: PVS1, PS4_SUP, PM2_SUP

CeGaT Center for Human Genetics Tuebingen
Classification: Pathogenic. Last evaluated: 2018-07-01. Review status: criteria provided, single submitter. Criteria: CeGaT Center For Human Genetics Tuebingen Variant Classification Criteria Version 2. Collection method: clinical testing. Allele origin: germline. Affected: yes. Observed: 2 variant alleles.

Juno Genomics, Hangzhou Juno Genomics, Inc
Classification: Pathogenic for KBG syndrome. Review status: criteria provided, single submitter. Criteria: ACMG Guidelines, 2015. Collection method: clinical testing. Allele origin: germline. Affected: yes.
Comment: Absent from controls (or at extremely low frequency if recessive) in Genome Aggregation Database, Exome Sequencing Project, 1000 Genomes Project, or Exome Aggregation Consortium.;Null variant in a gene where loss of function (LOF) is a known mechanism of disease.;The prevalence of the variant in affected individuals is significantly increased compared to the prevalence in controls.;De novo (both maternity and paternity confirmed) in a patient with the disease and no family history.;Patient's phenotype or family history is highly specific for a disease with a single genetic etiology.

PreventionGenetics, part of Exact Sciences
Classification: Pathogenic for ANKRD11-related condition. Last evaluated: 2024-09-20. Review status: no assertion criteria provided. Collection method: clinical testing. Allele origin: germline. Not counted in ClinVar's aggregate classification.
Comment: The ANKRD11 c.3309dupA variant is predicted to result in a frameshift and premature protein termination (p.Asp1104Argfs*2). This variant has been reported in individuals with KBG syndrome (Gnazzo et al. 2020. PubMed ID: 32124548; Turro et al. 2020. PubMed ID: 32581362). This variant is reported in the gnomAD database, however the calls for this variant do not pass gnomAD's data quality filters and have low read frequencies, indicating they are not likely to be heterozygous occurrences of this change. Frameshift variants in ANKRD11 are expected to be pathogenic. This variant is interpreted as pathogenic.

Pediatric Genetics Clinic, Sheba Medical Center
Classification: Pathogenic for KBG syndrome. Last evaluated: 2021-05-13. Review status: no assertion criteria provided. Collection method: clinical testing. Allele origin: de novo. Affected: yes. Observed: 1 heterozygote. Not counted in ClinVar's aggregate classification.

NIHR Bioresource Rare Diseases, University of Cambridge
Classification: Likely pathogenic for Abnormality of the nervous system. Review status: no assertion criteria provided. Collection method: research. Allele origin: unknown. Affected: yes. Observed: 1 variant allele. Not counted in ClinVar's aggregate classification.

Literature cited by the submitters: PubMed 32581362 (cited by NIHR Bioresource Rare Diseases, University of Cambridge).